The following is an entry in ClinVar:

ClinVar aggregate classification (germline): Uncertain significance (1 of 4 stars; one submission).

Allele frequency attached by ClinVar (database versions not stated): gnomAD 0.00001; gnomAD exomes 0.00001.
gnomAD v4.1: 10 of 1,614,054 alleles (0.00062%); highest among the groups gnomAD compares: African/African-American, 0.0013%; no homozygotes.

Submission:

Labcorp Genetics (formerly Invitae), Labcorp
Classification: Uncertain significance. Last evaluated: 2021-12-02. Review status: criteria provided, single submitter. Criteria: Invitae Variant Classification Sherloc (09022015). Collection method: clinical testing. Allele origin: germline.
Comment: In summary, the available evidence is currently insufficient to determine the role of this variant in disease. Therefore, it has been classified as a Variant of Uncertain Significance. This sequence change replaces lysine, which is basic and polar, with arginine, which is basic and polar, at codon 145 of the ASRGL1 protein (p.Lys145Arg). This variant is not present in population databases (gnomAD no frequency). This variant has not been reported in the literature in individuals affected with ASRGL1-related conditions. Algorithms developed to predict the effect of missense changes on protein structure and function output the following: SIFT: "Tolerated"; PolyPhen-2: "Benign"; Align-GVGD: "Class C0". The arginine amino acid residue is found in multiple mammalian species, which suggests that this missense change does not adversely affect protein function.

NM_001083926.2(ASRGL1):c.434A>G (p.Lys145Arg)

Gene: ASRGL1 (asparaginase and isoaspartyl peptidase 1; plus strand). Cytogenetic location: 11q12.3.
Variant type: single nucleotide variant.
Coding change: c.434A>G on transcript NM_001083926.2 (MANE Select); coding-DNA position 434, A replaced by G.
Protein change: p.Lys145Arg; replaces lysine 145 with arginine.
Molecular consequence: missense variant.
Genome position (GRCh38, 1-based): chr11:62,357,087, A>G. VCF-style: chr11-62357087-A-G. GRCh37 (hg19) VCF-style: chr11-62124559-A-G.
Other names: c.434A>G, p.Lys145Arg (NM_025080.4); short protein forms K145R.
Identifiers: ClinVar variation 1906514 (VCV001906514.5), dbSNP rs1946317233, ClinGen allele CA380866075.